The following is an entry in ClinVar:

ClinVar aggregate classification (germline): Conflicting classifications of pathogenicity. Review status: criteria provided, conflicting classifications (1 of 4 stars). 5 submissions from 4 submitters: Uncertain significance (2); Likely benign (2). 1 of the submissions does not count toward it. Last evaluated 2025-11-15.

Conditions:
Bardet-Biedl syndrome 13 (BBS13). Identifiers: Orphanet 110, MedGen C2673873, MONDO:0014441, OMIM 615990.
MKS1-related disorder. Also called: MKS1-related condition; MKS1-related disorders. Identifiers: MedGen CN239382.
Joubert syndrome. Also called: Familial aplasia of the vermis; JOUBERT-BOLTSHAUSER SYNDROME. Identifiers: Orphanet 475, MedGen C5979921, MONDO:0018772.
Meckel-Gruber syndrome. Also called: DYSENCEPHALIA SPLANCHNOCYSTICA; GRUBER SYNDROME; Dysencephalia splachnocystica. Identifiers: Orphanet 564, MedGen C0265215, MONDO:0018921.
Meckel syndrome, type 1 (MKS1). Also called: MECKEL-GRUBER SYNDROME, TYPE 1. Identifiers: Orphanet 564, MedGen C3714506, MONDO:0009571, OMIM 249000.

Allele frequency attached by ClinVar (database versions not stated): gnomAD 0.00001; gnomAD exomes 0.00001 and 0.00002; TOPMed 0.00001; ExAC 0.00002.
gnomAD v4.1: 26 of 1,613,972 alleles (0.0016%); highest among the groups gnomAD compares: South Asian, 0.0055%; no homozygotes.

Submissions (5):

Labcorp Genetics (formerly Invitae), Labcorp
Classification: Likely benign for Joubert syndrome; Meckel-Gruber syndrome. Last evaluated: 2025-11-15. Review status: criteria provided, single submitter. Criteria: Invitae Variant Classification Sherloc (09022015). Collection method: clinical testing. Allele origin: germline.

PreventionGenetics, part of Exact Sciences
Classification: Likely benign for MKS1-related condition. Last evaluated: 2025-04-08. Review status: criteria provided, single submitter. Criteria: ACMG Guidelines, 2015. Collection method: clinical testing. Allele origin: germline.
Comment: This variant is classified as likely benign based on ACMG/AMP sequence variant interpretation guidelines (Richards et al. 2015 PMID: 25741868, with internal and published modifications).

Illumina Laboratory Services, Illumina
Classification: Uncertain significance for Bardet-Biedl syndrome 13. Last evaluated: 2018-01-13. Review status: criteria provided, single submitter. Criteria: ICSL Variant Classification Criteria 13 December 2019. Collection method: clinical testing. Allele origin: germline.

Illumina Laboratory Services, Illumina
Classification: Uncertain significance for Meckel syndrome, type 1. Last evaluated: 2018-01-13. Review status: criteria provided, single submitter. Criteria: ICSL Variant Classification Criteria 13 December 2019. Collection method: clinical testing. Allele origin: germline.

Natera, Inc.
Classification: Uncertain significance for Meckel syndrome type 1. Last evaluated: 2020-02-13. Review status: no assertion criteria provided. Collection method: clinical testing. Allele origin: germline. Not counted in ClinVar's aggregate classification.

NM_017777.4(MKS1):c.1209G>A (p.Ser403=)

Gene: MKS1 (MKS transition zone complex subunit 1; minus strand). Cytogenetic location: 17q22.
Variant type: single nucleotide variant.
Coding change: c.1209G>A on transcript NM_017777.4 (MANE Select); coding-DNA position 1209, G replaced by A.
Protein change: p.Ser403=; no amino-acid change (serine 403 retained).
Molecular consequence: synonymous variant.
Genome position (GRCh38, 1-based): chr17:58,207,958, C>T on the plus strand (G>A on the coding strand, the complement: MKS1 is on the minus strand). VCF-style: chr17-58207958-C-T. GRCh37 (hg19) VCF-style: chr17-56285319-C-T.
Other names: c.600G>A, p.Ser200= (NM_001321268.2); c.1209G>A, p.Ser403= (NM_001321269.2, NM_001330397.2).
Identifiers: ClinVar variation 698586 (VCV000698586.17), dbSNP rs770493819, ClinGen allele CA8669231.